The following is an entry in ClinVar:

ClinVar aggregate classification (germline): Likely pathogenic (1 of 4 stars; one submission).

Conditions:
Hereditary spastic paraplegia 72 (SPG72A). Also called: Spastic paraplegia 72, autosomal recessive. Identifiers: Orphanet 401849, MedGen C5882669, MONDO:0014282, OMIM 615625.

Submission:

Baylor Genetics
Classification: Likely pathogenic for Hereditary spastic paraplegia 72. Last evaluated: 2019-11-20. Review status: criteria provided, single submitter. Criteria: ACMG Guidelines, 2015. Collection method: clinical testing. Allele origin: unknown. Affected: yes.
Comment: This variant was determined to be likely pathogenic according to ACMG Guidelines, 2015 [PMID:25741868].

NM_001271803.2(REEP2):c.331C>T (p.Arg111Ter)

Gene: REEP2 (receptor accessory protein 2; plus strand). Cytogenetic location: 5q31.2.
Variant type: single nucleotide variant.
Coding change: c.331C>T on transcript NM_001271803.2 (MANE Select); coding-DNA position 331, C replaced by T.
Protein change: p.Arg111Ter; replaces arginine 111 with a stop codon.
Molecular consequence: nonsense. On other transcripts: non-coding transcript variant (2).
Genome position (GRCh38, 1-based): chr5:138,444,781, C>T. VCF-style: chr5-138444781-C-T. GRCh37 (hg19) VCF-style: chr5-137780470-C-T.
Other names: c.331C>T, p.Arg111Ter (NM_016606.4); short protein forms R111*.
Identifiers: ClinVar variation 1029275 (VCV001029275.1), dbSNP rs1763893777, ClinGen allele CA361103611.